The following is an entry in ClinVar:

ClinVar aggregate classification (germline): Likely benign (0 of 4 stars; one submission).

Conditions:
WIPI1-related disorder. Also called: WIPI1-related condition.

Allele frequency attached by ClinVar (database versions not stated): gnomAD exomes 0.00001; TOPMed 0.00003; gnomAD 0.00006; ExAC 0.00002.
gnomAD v4.1: 23 of 1,614,000 alleles (0.0014%); highest among the groups gnomAD compares: East Asian, 0.022%; 1 homozygote.

Submission:

PreventionGenetics, part of Exact Sciences
Classification: Likely benign for WIPI1-related condition. Last evaluated: 2021-02-23. Review status: no assertion criteria provided. Collection method: clinical testing. Allele origin: germline.
Comment: This variant is classified as likely benign based on ACMG/AMP sequence variant interpretation guidelines (Richards et al. 2015 PMID: 25741868, with internal and published modifications).

NM_017983.7(WIPI1):c.1152C>T (p.Thr384=)

Genes: ARSG (arylsulfatase G; plus strand), PRKAR1A (protein kinase cAMP-dependent type I regulatory subunit alpha; plus strand), WIPI1 (WD repeat domain, phosphoinositide interacting 1; minus strand). Cytogenetic location: 17q24.2.
Variant type: single nucleotide variant.
Coding change: c.1152C>T on transcript NM_017983.7 (MANE Select); coding-DNA position 1152, C replaced by T.
Protein change: p.Thr384=; no amino-acid change (threonine 384 retained).
Molecular consequence: synonymous variant. On other transcripts: non-coding transcript variant (2), intron variant (8).
Genome position (GRCh38, 1-based): chr17:68,427,175, G>A on the plus strand (C>T on the coding strand, the complement: WIPI1 is on the minus strand). VCF-style: chr17-68427175-G-A. GRCh37 (hg19) VCF-style: chr17-66423316-G-A.
Other names: c.906C>T, p.Thr302= (NM_001320772.2); c.*44-1462G>A (NM_001352904.2, NM_001352899.2, NM_001352906.2); c.1304-13526G>A (NM_001352910.2); c.*43+6669G>A (NM_001352905.2); c.1256-13526G>A (NM_001352909.2); c.*44-1245G>A (NM_001352902.2); c.-7+13380G>A (NM_001278433.2).
Identifiers: ClinVar variation 3047301 (VCV003047301.2), dbSNP rs763373535, ClinGen allele CA8728755.